The following is an entry in ClinVar:

ClinVar aggregate classification (germline): Conflicting classifications of pathogenicity. Review status: criteria provided, conflicting classifications (1 of 4 stars). 2 submissions from 2 submitters: Likely pathogenic (1); Uncertain significance (1). Last evaluated 2025-01-15.

Submissions (2):

Labcorp Genetics (formerly Invitae), Labcorp
Classification: Likely pathogenic. Last evaluated: 2025-01-15. Review status: criteria provided, single submitter. Criteria: Invitae Variant Classification Sherloc (09022015). Collection method: clinical testing. Allele origin: germline.
Comment: This sequence change replaces alanine, which is neutral and non-polar, with aspartic acid, which is acidic and polar, at codon 2082 of the ABCA4 protein (p.Ala2082Asp). This variant is not present in population databases (gnomAD no frequency). This missense change has been observed in individual(s) with clinical features of Stargardt Disease (internal data). Invitae Evidence Modeling of protein sequence and biophysical properties (such as structural, functional, and spatial information, amino acid conservation, physicochemical variation, residue mobility, and thermodynamic stability) indicates that this missense variant is expected to disrupt ABCA4 protein function with a positive predictive value of 95%. This variant disrupts the p.Ala2082 amino acid residue in ABCA4. Other variant(s) that disrupt this residue have been determined to be pathogenic (PMID: 38003421; internal data). This suggests that this residue is clinically significant, and that variants that disrupt this residue are likely to be disease-causing. In summary, the currently available evidence indicates that the variant is pathogenic, but additional data are needed to prove that conclusively. Therefore, this variant has been classified as Likely Pathogenic.

Blueprint Genetics
Classification: Uncertain significance. Last evaluated: 2019-09-01. Review status: criteria provided, single submitter. Criteria: ACMG Guidelines, 2015. Collection method: clinical testing. Allele origin: germline.

Literature cited by the submitters: PubMed 38003421 (cited by Labcorp Genetics (formerly Invitae), Labcorp).

NM_000350.3(ABCA4):c.6245C>A (p.Ala2082Asp)

Gene: ABCA4 (ATP binding cassette subfamily A member 4; minus strand). Cytogenetic location: 1p22.1.
Variant type: single nucleotide variant.
Coding change: c.6245C>A on transcript NM_000350.3 (MANE Select); coding-DNA position 6245, C replaced by A.
Protein change: p.Ala2082Asp; replaces alanine 2082 with aspartic acid.
Molecular consequence: missense variant.
Genome position (GRCh38, 1-based): chr1:94,001,895, G>T on the plus strand (C>A on the coding strand, the complement: ABCA4 is on the minus strand). VCF-style: chr1-94001895-G-T. GRCh37 (hg19) VCF-style: chr1-94467451-G-T.
Other names: c.6023C>A, p.Ala2008Asp (NM_001425324.1); short protein forms A2008D, A2082D.
Identifiers: ClinVar variation 3718932 (VCV003718932.3).